The following is an entry in ClinVar:

NM_172232.4(ABCA5):c.1451A>G (p.Gln484Arg)

Gene: ABCA5 (ATP binding cassette subfamily A member 5; minus strand). Cytogenetic location: 17q24.3.
Variant type: single nucleotide variant.
Coding change: c.1451A>G on transcript NM_172232.4 (MANE Select); coding-DNA position 1451, A replaced by G.
Protein change: p.Gln484Arg; replaces glutamine 484 with arginine.
Molecular consequence: missense variant.
Genome position (GRCh38, 1-based): chr17:69,294,699, T>C on the plus strand (A>G on the coding strand, the complement: ABCA5 is on the minus strand). VCF-style: chr17-69294699-T-C. GRCh37 (hg19) VCF-style: chr17-67290840-T-C.
Other names: c.1451A>G, p.Gln484Arg (NM_018672.5); short protein forms Q484R.
Identifiers: ClinVar variation 3059440 (VCV003059440.2), dbSNP rs17686569, ClinGen allele CA8737613.

ClinVar aggregate classification (germline): Benign (0 of 4 stars; one submission).

Conditions:
ABCA5-related disorder. Also called: ABCA5-related condition.

Allele frequency attached by ClinVar (database versions not stated): ExAC 0.13500; 1000 Genomes Project 0.14377; 1000 Genomes Project 30x 0.14710; gnomAD 0.16319; TOPMed 0.17123; ESP Exome Variant Server 0.17474.
gnomAD v4.1: 224,232 of 1,597,538 alleles (14%); highest among the groups gnomAD compares: African/African-American, 23%; 16,880 homozygotes.

Submission:

PreventionGenetics, part of Exact Sciences
Classification: Benign for ABCA5-related condition. Last evaluated: 2024-03-06. Review status: no assertion criteria provided. Collection method: clinical testing. Allele origin: germline.
Comment: This variant is classified as benign based on ACMG/AMP sequence variant interpretation guidelines (Richards et al. 2015 PMID: 25741868, with internal and published modifications).